The following is an entry in ClinVar:

NM_014679.5(CEP57):c.566T>C (p.Leu189Ser)

Gene: CEP57 (centrosomal protein 57; plus strand). Cytogenetic location: 11q21.
Variant type: single nucleotide variant.
Coding change: c.566T>C on transcript NM_014679.5 (MANE Select); coding-DNA position 566, T replaced by C.
Protein change: p.Leu189Ser; replaces leucine 189 with serine.
Molecular consequence: missense variant.
Genome position (GRCh38, 1-based): chr11:95,817,848, T>C. VCF-style: chr11-95817848-T-C. GRCh37 (hg19) VCF-style: chr11-95551012-T-C.
Other names: c.539T>C, p.Leu180Ser (NM_001243776.2); c.566T>C, p.Leu189Ser (NM_001243777.2); c.485T>C, p.Leu162Ser (NM_001363604.2); c.566T>C (NM_014679.4); short protein forms L162S, L180S, L189S.
Identifiers: ClinVar variation 1419335 (VCV001419335.7), dbSNP rs928707774, ClinGen allele CA226632353.

ClinVar aggregate classification (germline): Uncertain significance. Review status: criteria provided, multiple submitters, no conflicts (2 of 4 stars). 2 submissions from 2 submitters: Uncertain significance (2). Last evaluated 2025-04-07.

Conditions:
Inborn genetic diseases. Identifiers: MedGen C0950123, MeSH D030342.
Mosaic variegated aneuploidy syndrome 2 (MVA2). Identifiers: Orphanet 1052, MedGen C3279843, MONDO:0013582, OMIM 614114.

Allele frequency attached by ClinVar (database versions not stated): gnomAD exomes below 0.00001; TOPMed below 0.00001; gnomAD 0.00001.
gnomAD v4.1: 6 of 1,613,858 alleles (0.00037%); highest among the groups gnomAD compares: African/African-American, 0.0013%; no homozygotes.

Submissions (2):

Ambry Genetics
Classification: Uncertain significance for Inborn genetic diseases. Last evaluated: 2025-04-07. Review status: criteria provided, single submitter. Criteria: Ambry Variant Classification Scheme 2023. Collection method: clinical testing. Allele origin: germline.
Comment: The p.L189S variant (also known as c.566T>C), located in coding exon 5 of the CEP57 gene, results from a T to C substitution at nucleotide position 566. The leucine at codon 189 is replaced by serine, an amino acid with dissimilar properties. This amino acid position is conserved. In addition, this alteration is predicted to be deleterious by in silico analysis. Based on the available evidence, the clinical significance of this variant remains unclear.

Labcorp Genetics (formerly Invitae), Labcorp
Classification: Uncertain significance for Mosaic variegated aneuploidy syndrome 2. Last evaluated: 2021-11-24. Review status: criteria provided, single submitter. Criteria: Invitae Variant Classification Sherloc (09022015). Collection method: clinical testing. Allele origin: germline.
Comment: This sequence change replaces leucine, which is neutral and non-polar, with serine, which is neutral and polar, at codon 189 of the CEP57 protein (p.Leu189Ser). In summary, the available evidence is currently insufficient to determine the role of this variant in disease. Therefore, it has been classified as a Variant of Uncertain Significance. Algorithms developed to predict the effect of missense changes on protein structure and function (SIFT, PolyPhen-2, Align-GVGD) all suggest that this variant is likely to be disruptive. This variant has not been reported in the literature in individuals affected with CEP57-related conditions. This variant is not present in population databases (gnomAD no frequency).